The following is an entry in ClinVar:

NM_000760.4(CSF3R):c.2367C>T (p.Asn789=)

Gene: CSF3R (colony stimulating factor 3 receptor; minus strand). Cytogenetic location: 1p34.3.
Variant type: single nucleotide variant.
Coding change: c.2367C>T on transcript NM_000760.4 (MANE Select); coding-DNA position 2367, C replaced by T.
Protein change: p.Asn789=; no amino-acid change (asparagine 789 retained).
Molecular consequence: synonymous variant. On other transcripts: intron variant (1).
Genome position (GRCh38, 1-based): chr1:36,466,501, G>A on the plus strand (C>T on the coding strand, the complement: CSF3R is on the minus strand). VCF-style: chr1-36466501-G-A. GRCh37 (hg19) VCF-style: chr1-36932102-G-A.
Other names: c.2448C>T, p.Asn816= (NM_156039.3, LRG_144t1); c.2247+120C>T (NM_172313.3).
Identifiers: ClinVar variation 636923 (VCV000636923.12), dbSNP rs946096806, ClinGen allele CA20742093.
Genomic context (GRCh38, chr1:36,466,501, plus strand): 5'-GTCCTCCTGGCTTGGGGCTGGGGTTACCAGGGTCCCCAAGGGGCTGGCCTGGAACCAGAG[G>A]TTCTCATAGGACTTGGGGCTGGGGGTGAGGCCCGCCAAGAGGGGCTGAGTGGAGTCACAG-3'
Protein context (NP_000751.1, residues 779-799): GLTPSPKSYE[Asn789=]LWFQASPLGT

ClinVar aggregate classification (germline): Likely benign. Review status: criteria provided, multiple submitters, no conflicts (2 of 4 stars). 3 submissions from 3 submitters: Likely benign (3). Last evaluated 2026-04-01.

Conditions:
Autosomal recessive severe congenital neutropenia due to CSF3R deficiency. Also called: Neutropenia, severe congenital, 7, autosomal recessive. Identifiers: Orphanet 420702, MedGen C4310764, MONDO:0014865, OMIM 617014.

Allele frequency attached by ClinVar (database versions not stated): TOPMed below 0.00001; gnomAD 0.00001; gnomAD exomes 0.00001.
gnomAD v4.1: 15 of 1,611,128 alleles (0.00093%); highest among the groups gnomAD compares: Middle Eastern, 0.12%; no homozygotes.

Submissions (3):

CeGaT Center for Human Genetics Tuebingen
Classification: Likely benign. Last evaluated: 2026-04-01. Review status: criteria provided, single submitter. Criteria: CeGaT Center For Human Genetics Tuebingen Variant Classification Criteria Version 2. Collection method: clinical testing. Allele origin: germline. Affected: yes. Observed: 1 variant allele.
Comment: CSF3R: BP4, BP7

Labcorp Genetics (formerly Invitae), Labcorp
Classification: Likely benign for Autosomal recessive severe congenital neutropenia due to CSF3R deficiency. Last evaluated: 2025-08-14. Review status: criteria provided, single submitter. Criteria: Invitae Variant Classification Sherloc (09022015). Collection method: clinical testing. Allele origin: germline.

Blueprint Genetics
Classification: Likely benign. Last evaluated: 2022-04-12. Review status: criteria provided, single submitter. Criteria: ACMG Guidelines, 2015. Collection method: clinical testing. Allele origin: germline.